The following is an entry in ClinVar:

ClinVar aggregate classification (germline): Likely pathogenic (1 of 4 stars; one submission).

Conditions:
Mitochondrial DNA depletion syndrome 1. Also called: Mitochondrial neurogastrointestinal encephalomyopathy syndrome; Mitochondrial DNA Depletion Syndrome, MNGIE Form; POLIP SYNDROME; POLYNEUROPATHY, OPHTHALMOPLEGIA, LEUKOENCEPHALOPATHY, AND INTESTINAL PSEUDOOBSTRUCTION; Mitochondrial DNA depletion syndrome 1 (MNGIE type); Mitochondrial Neurogastrointestinal Encephalopathy Disease. Identifiers: Orphanet 298, MedGen C4551995, MONDO:0011283, OMIM 603041.

gnomAD v4.1: 1 of 1,613,246 alleles (0.000062%); highest among the groups gnomAD compares: Non-Finnish European, 0.000085%; no homozygotes.

Submission:

Myriad Genetics, Inc.
Classification: Likely pathogenic for Mitochondrial DNA depletion syndrome 1. Last evaluated: 2026-03-19. Review status: criteria provided, single submitter. Criteria: Myriad Autosomal Dominant, Autosomal Recessive and X-Linked Classification Criteria (2023). Collection method: clinical testing. Allele origin: unknown.
Comment: NM_001953.4(TYMP):c.392C>T(P131L) is a missense variant classified as likely pathogenic in the context of mitochondrial neurogastrointestinal encephalopathy disease. P131L has been observed in cases with relevant disease (PMID: 36101829, 35341481). Relevant functional assessments of this variant are not available in the literature. P131L has not been observed in referenced population frequency databases. In summary, NM_001953.4(TYMP):c.392C>T(P131L) is a missense variant that has been observed more frequently in cases with the relevant disease than in healthy populations. Please note: this variant was assessed in the context of healthy population screening.

Literature cited by the submitters: PubMed 35341481; PubMed 36101829.

NM_001953.5(TYMP):c.392C>T (p.Pro131Leu)

Gene: TYMP (thymidine phosphorylase; minus strand). Cytogenetic location: 22q13.33.
Variant type: single nucleotide variant.
Coding change: c.392C>T on transcript NM_001953.5 (MANE Select); coding-DNA position 392, C replaced by T.
Protein change: p.Pro131Leu; replaces proline 131 with leucine.
Molecular consequence: missense variant.
Genome position (GRCh38, 1-based): chr22:50,529,161, G>A on the plus strand (C>T on the coding strand, the complement: TYMP is on the minus strand). VCF-style: chr22-50529161-G-A. GRCh37 (hg19) VCF-style: chr22-50967590-G-A.
Other names: c.392C>T, p.Pro131Leu (NM_001113755.3, NM_001113756.3, NM_001257988.1 and 1 more transcripts); short protein forms P131L.
Identifiers: ClinVar variation 5003785 (VCV005003785.1).